The following is an entry in ClinVar:

ClinVar aggregate classification (germline): Pathogenic (1 of 4 stars; one submission).

Submission:

Labcorp Genetics (formerly Invitae), Labcorp
Classification: Pathogenic. Last evaluated: 2024-03-20. Review status: criteria provided, single submitter. Criteria: Invitae Variant Classification Sherloc (09022015). Collection method: clinical testing. Allele origin: germline.
Comment: This sequence change creates a premature translational stop signal (p.Pro983Leufs*13) in the DUOX2 gene. It is expected to result in an absent or disrupted protein product. Loss-of-function variants in DUOX2 are known to be pathogenic (PMID: 12110737, 18765513, 21565790, 24423310, 24735383). This variant is not present in population databases (gnomAD no frequency). This variant has not been reported in the literature in individuals affected with DUOX2-related conditions. For these reasons, this variant has been classified as Pathogenic.

Literature cited by the submitters: PubMed 12110737; PubMed 18765513; PubMed 21565790; PubMed 24423310; PubMed 24735383.

NM_001363711.2(DUOX2):c.2943del (p.Pro983fs)

Gene: DUOX2 (dual oxidase 2; minus strand). Cytogenetic location: 15q21.1.
Variant type: Deletion.
Coding change: c.2943del on transcript NM_001363711.2 (MANE Select); coding-DNA position 2943, one base deleted (G; older notation c.2943delG).
Protein change: p.Pro983fs; shifts the reading frame from proline 983.
Molecular consequence: frameshift variant.
Genome position (GRCh38, 1-based): chr15:45,100,817, C deleted on the plus strand (G on the coding strand, the reverse complement: DUOX2 is on the minus strand); the first of 4 consecutive C bases (chr15:45,100,817-45,100,820); deleting any one gives the same sequence. VCF-style (leftmost placement, unchanged base first): chr15-45100816-GC-G. GRCh37 (hg19) VCF-style: chr15-45393014-GC-G.
Other names: c.2943del, p.Pro983fs (NM_014080.5); short protein forms P983fs.
Identifiers: ClinVar variation 3646940 (VCV003646940.2).